The following is an entry in ClinVar:

ClinVar aggregate classification (germline): Conflicting classifications of pathogenicity. Review status: criteria provided, conflicting classifications (1 of 4 stars). 3 submissions from 3 submitters: Uncertain significance (1); Likely benign (2). Last evaluated 2023-03-23.

Conditions:
Hereditary cancer-predisposing syndrome. Also called: Hereditary Cancer Syndrome; Neoplastic Syndromes, Hereditary; Tumor predisposition; Hereditary neoplastic syndrome. Identifiers: Orphanet 140162, MedGen C0027672, MeSH D009386, MONDO:0015356.
Hereditary breast ovarian cancer syndrome. Also called: Hereditary breast and ovarian cancer syndrome; Hereditary breast and ovarian cancer; Hereditary breast and ovarian cancer syndrome (HBOC); Breast and ovarian cancer; Hereditary breast and/or ovarian cancer syndrome; BRCA1- and BRCA2-Associated Hereditary Breast and Ovarian Cancer. Identifiers: Orphanet 145, MedGen C0677776, MeSH D061325, MONDO:0003582. Disease mechanism: loss of function.

Submissions (3):

University of Washington Department of Laboratory Medicine, University of Washington
Classification: Likely benign for Hereditary cancer-predisposing syndrome. Last evaluated: 2023-03-23. Review status: criteria provided, single submitter. Criteria: Dines et al. (Genet Med. 2020). Collection method: curation. Allele origin: germline.
Comment: Missense variant in a coldspot region where missense variants are very unlikely to be pathogenic (PMID:31911673).

BRCA2 exon 11 coldspot. Reclassification based on statistical prior probability.

Labcorp Genetics (formerly Invitae), Labcorp
Classification: Uncertain significance for Hereditary breast ovarian cancer syndrome. Last evaluated: 2021-08-24. Review status: criteria provided, single submitter. Criteria: Invitae Variant Classification Sherloc (09022015). Collection method: clinical testing. Allele origin: germline.
Comment: In summary, the available evidence is currently insufficient to determine the role of this variant in disease. Therefore, it has been classified as a Variant of Uncertain Significance. Advanced modeling of protein sequence and biophysical properties (such as structural, functional, and spatial information, amino acid conservation, physicochemical variation, residue mobility, and thermodynamic stability) performed at Invitae indicates that this missense variant is not expected to disrupt BRCA2 protein function. ClinVar contains an entry for this variant (Variation ID: 481067). This variant has not been reported in the literature in individuals affected with BRCA2-related conditions. This variant is not present in population databases (ExAC no frequency). This sequence change replaces threonine with serine at codon 1231 of the BRCA2 protein (p.Thr1231Ser). The threonine residue is weakly conserved and there is a small physicochemical difference between threonine and serine.

Ambry Genetics
Classification: Likely benign for Hereditary cancer-predisposing syndrome. Last evaluated: 2019-02-15. Review status: criteria provided, single submitter. Criteria: Ambry Variant Classification Scheme 2023. Collection method: clinical testing. Allele origin: germline.

NM_000059.4(BRCA2):c.3691A>T (p.Thr1231Ser)

Gene: BRCA2 (BRCA2 DNA repair associated; plus strand). Cytogenetic location: 13q13.1.
Variant type: single nucleotide variant.
Coding change: c.3691A>T on transcript NM_000059.4 (MANE Select); coding-DNA position 3691, A replaced by T.
Protein change: p.Thr1231Ser; replaces threonine 1231 with serine.
Molecular consequence: missense variant.
Genome position (GRCh38, 1-based): chr13:32,338,046, A>T. VCF-style: chr13-32338046-A-T. GRCh37 (hg19) VCF-style: chr13-32912183-A-T.
Other names: short protein forms T1231S.
Identifiers: ClinVar variation 481067 (VCV000481067.12), dbSNP rs1555283363, ClinGen allele CA387778030.